The following is an entry in ClinVar:

ClinVar aggregate classification (germline): Uncertain significance. Review status: criteria provided, multiple submitters, no conflicts (2 of 4 stars). 2 submissions from 2 submitters: Uncertain significance (2). Last evaluated 2025-11-19.

Allele frequency attached by ClinVar (database versions not stated): TOPMed 0.00003; gnomAD 0.00004; ESP Exome Variant Server 0.00008.
gnomAD v4.1: 21 of 1,614,116 alleles (0.0013%); highest among the groups gnomAD compares: African/African-American, 0.0053%; no homozygotes.

Submissions (2):

Labcorp Genetics (formerly Invitae), Labcorp
Classification: Uncertain significance. Last evaluated: 2025-11-19. Review status: criteria provided, single submitter. Criteria: Invitae Variant Classification Sherloc (09022015). Collection method: clinical testing. Allele origin: germline.
Comment: This sequence change replaces asparagine, which is neutral and polar, with serine, which is neutral and polar, at codon 101 of the NFE2L2 protein (p.Asn101Ser). This variant is present in population databases (rs371831443, gnomAD 0.01%). This variant has not been reported in the literature in individuals affected with NFE2L2-related conditions. ClinVar contains an entry for this variant (Variation ID: 1061758). An algorithm developed to predict the effect of missense changes on protein structure and function outputs the following: PolyPhen-2: "Benign". The serine amino acid residue is found in multiple mammalian species, which suggests that this missense change does not adversely affect protein function. In summary, the available evidence is currently insufficient to determine the role of this variant in disease. Therefore, it has been classified as a Variant of Uncertain Significance.

Ambry Genetics
Classification: Uncertain significance. Last evaluated: 2024-06-16. Review status: criteria provided, single submitter. Criteria: Ambry Variant Classification Scheme 2023. Collection method: clinical testing. Allele origin: germline.

NM_006164.5(NFE2L2):c.302A>G (p.Asn101Ser)

Gene: NFE2L2 (NFE2 like bZIP transcription factor 2; minus strand). Cytogenetic location: 2q31.2.
Variant type: single nucleotide variant.
Coding change: c.302A>G on transcript NM_006164.5 (MANE Select); coding-DNA position 302, A replaced by G.
Protein change: p.Asn101Ser; replaces asparagine 101 with serine.
Molecular consequence: missense variant. On other transcripts: intron variant (2).
Genome position (GRCh38, 1-based): chr2:177,234,015, T>C on the plus strand (A>G on the coding strand, the complement: NFE2L2 is on the minus strand). VCF-style: chr2-177234015-T-C. GRCh37 (hg19) VCF-style: chr2-178098743-T-C.
Other names: c.254A>G, p.Asn85Ser (NM_001145412.3, NM_001145413.3, NM_001313900.1 and 1 more transcripts); c.302A>G, p.Asn101Ser (NM_001313902.2); c.12+61A>G (NM_001313904.1); c.93+209A>G (NM_001313903.2); c.302A>G (NM_006164.3); short protein forms N101S, N85S.
Identifiers: ClinVar variation 1061758 (VCV001061758.11), dbSNP rs371831443, ClinGen allele CA1979925.